The following is an entry in ClinVar:

ClinVar aggregate classification (germline): Likely benign. Review status: criteria provided, multiple submitters, no conflicts (2 of 4 stars). 3 submissions from 3 submitters: Likely benign (2). 1 of the submissions does not count toward it. Last evaluated 2025-10-19.

Conditions:
SH2B1-related disorder. Also called: SH2B1-related condition.

Allele frequency attached by ClinVar (database versions not stated): gnomAD exomes 0.00006 and 0.00029; gnomAD 0.00011 and 0.00013; TOPMed 0.00011; ExAC 0.00026; 1000 Genomes Project 30x 0.00078; 1000 Genomes Project 0.00080.
gnomAD v4.1: 109 of 1,610,184 alleles (0.0068%); highest among the groups gnomAD compares: East Asian, 0.21%; no homozygotes.

Submissions (3):

Labcorp Genetics (formerly Invitae), Labcorp
Classification: Likely benign. Last evaluated: 2025-10-19. Review status: criteria provided, single submitter. Criteria: Invitae Variant Classification Sherloc (09022015). Collection method: clinical testing. Allele origin: germline.

CeGaT Center for Human Genetics Tuebingen
Classification: Likely benign. Last evaluated: 2025-05-01. Review status: criteria provided, single submitter. Criteria: CeGaT Center For Human Genetics Tuebingen Variant Classification Criteria Version 2. Collection method: clinical testing. Allele origin: germline. Affected: yes. Observed: 1 variant allele.
Comment: SH2B1: BS1

PreventionGenetics, part of Exact Sciences
Classification: Likely benign for SH2B1-related condition. Last evaluated: 2021-09-29. Review status: no assertion criteria provided. Collection method: clinical testing. Allele origin: germline. Not counted in ClinVar's aggregate classification.
Comment: This variant is classified as likely benign based on ACMG/AMP sequence variant interpretation guidelines (Richards et al. 2015 PMID: 25741868, with internal and published modifications).

NM_001387430.1(SH2B1):c.1394T>C (p.Met465Thr)

Gene: SH2B1 (SH2B adaptor protein 1; plus strand). Cytogenetic location: 16p11.2.
Variant type: single nucleotide variant.
Coding change: c.1394T>C on transcript NM_001387430.1 (MANE Select); coding-DNA position 1394, T replaced by C.
Protein change: p.Met465Thr; replaces methionine 465 with threonine.
Molecular consequence: missense variant.
Genome position (GRCh38, 1-based): chr16:28,871,864, T>C. VCF-style: chr16-28871864-T-C. GRCh37 (hg19) VCF-style: chr16-28883185-T-C.
Other names: c.1394T>C, p.Met465Thr (NM_001145795.2, NM_001145796.2, NM_001145797.2 and 4 more transcripts); c.386T>C, p.Met129Thr (NM_001308294.2); short protein forms M465T, M129T.
Identifiers: ClinVar variation 731250 (VCV000731250.16), dbSNP rs200463987, ClinGen allele CA7986192.